The following is an entry in ClinVar:

NM_000540.3(RYR1):c.13336T>G (p.Phe4446Val)

Genes: RYR1 (ryanodine receptor 1; plus strand), LOC130064357 (ATAC-STARR-seq lymphoblastoid silent region 10577; plus strand). Cytogenetic location: 19q13.2.
Variant type: single nucleotide variant.
Coding change: c.13336T>G on transcript NM_000540.3 (MANE Select); coding-DNA position 13336, T replaced by G.
Protein change: p.Phe4446Val; replaces phenylalanine 4446 with valine.
Molecular consequence: missense variant.
Genome position (GRCh38, 1-based): chr19:38,565,670, T>G. VCF-style: chr19-38565670-T-G. GRCh37 (hg19) VCF-style: chr19-39056310-T-G.
Other names: c.13321T>G, p.Phe4441Val (NM_001042723.2); short protein forms F4441V, F4446V.
Identifiers: ClinVar variation 3385592 (VCV003385592.1).

ClinVar aggregate classification (germline): Uncertain significance (1 of 4 stars; one submission).

Conditions:
Malignant hyperthermia, susceptibility to, 1 (MHS1). Also called: Anesthesia related hyperthermia; Malignant hyperpyrexia; Fulminating hyperpyrexia; Pharmacogenic myopathy; Malignant hyperthermia suceptibility 1; RYR1-Related Malignant Hyperthermia Susceptibility. Identifiers: Orphanet 423, MedGen C2930980, MONDO:0007783, OMIM 145600.

Submission:

All of Us Research Program, National Institutes of Health
Classification: Uncertain significance for Malignant hyperthermia, susceptibility to, 1. Last evaluated: 2024-08-13. Review status: criteria provided, single submitter. Criteria: ACMG Guidelines, 2015. Collection method: clinical testing. Allele origin: germline. Inheritance: Autosomal dominant inheritance. Observed: 1 variant allele, 1 heterozygote.
Comment: This missense variant replaces phenylalanine with valine at codon 4446 of the RYR1 protein. Computational prediction suggests that this variant may not impact protein structure and function (internally defined REVEL score threshold <= 0.5, PMID: 27666373). To our knowledge, functional studies have not been reported for this variant. This variant has not been reported in individuals affected with RYR1-related disorders in the literature. This variant has not been identified in the general population by the Genome Aggregation Database (gnomAD). The available evidence is insufficient to determine the role of this variant in disease conclusively. Therefore, this variant is classified as a Variant of Uncertain Significance.

This study involves interpretation of variants in research participants for the purpose of population health screening. Participant phenotype was not available at the time of variant classification. Additional details can be found in publication PMID: 35346344, PMCID: PMC8962531